The following is an entry in ClinVar:

NM_182914.3(SYNE2):c.13953G>A (p.Lys4651=)

Gene: SYNE2 (spectrin repeat containing nuclear envelope protein 2; plus strand). Cytogenetic location: 14q23.2.
Variant type: single nucleotide variant.
Coding change: c.13953G>A on transcript NM_182914.3 (MANE Select); coding-DNA position 13953, G replaced by A.
Protein change: p.Lys4651=; no amino-acid change (lysine 4651 retained).
Molecular consequence: synonymous variant.
Genome position (GRCh38, 1-based): chr14:64,128,487, G>A. VCF-style: chr14-64128487-G-A. GRCh37 (hg19) VCF-style: chr14-64595205-G-A.
Other names: c.13953G>A, p.Lys4651= (NM_015180.6).
Identifiers: ClinVar variation 2805123 (VCV002805123.3), dbSNP rs1390637049, ClinGen allele CA486715897.
Genomic context (GRCh38, chr14:64,128,487, plus strand): 5'-TCAGTTTCCGACATTTATCTTACAGAATGAAATAAAGAGATTATATCATCAGCTCATTAA[G>A]AGTAAGACATCTTTACAACAGTCTTTGAATGAAATCAGTGGGCAGAGTGTTGCTGAACAG-3'
Protein context (NP_878918.2, residues 4641-4661): EIKRLYHQLI[Lys4651=]SKTSLQQSLN

ClinVar aggregate classification (germline): Uncertain significance (1 of 4 stars; one submission).

Conditions:
Emery-Dreifuss muscular dystrophy 5, autosomal dominant (EDMD5). Also called: EMERY-DREIFUSS MUSCULAR DYSTROPHY 5. Identifiers: Orphanet 261, MedGen C2751805, MONDO:0013072, OMIM 612999.

Allele frequency attached by ClinVar (database versions not stated): gnomAD exomes below 0.00001; gnomAD 0.00001; TOPMed 0.00001.
gnomAD v4.1: 4 of 1,606,166 alleles (0.00025%); highest among the groups gnomAD compares: Admixed American, 0.0033%; no homozygotes.

Submission:

Labcorp Genetics (formerly Invitae), Labcorp
Classification: Uncertain significance for Emery-Dreifuss muscular dystrophy 5, autosomal dominant. Last evaluated: 2023-06-11. Review status: criteria provided, single submitter. Criteria: Invitae Variant Classification Sherloc (09022015). Collection method: clinical testing. Allele origin: germline.
Comment: This sequence change affects codon 4651 of the SYNE2 mRNA. It is a 'silent' change, meaning that it does not change the encoded amino acid sequence of the SYNE2 protein. This variant is not present in population databases (gnomAD no frequency). This variant has not been reported in the literature in individuals affected with SYNE2-related conditions. Algorithms developed to predict the effect of sequence changes on RNA splicing suggest that this variant may disrupt the consensus splice site. In summary, the available evidence is currently insufficient to determine the role of this variant in disease. Therefore, it has been classified as a Variant of Uncertain Significance.